The following is an entry in ClinVar:

ClinVar aggregate classification (germline): Benign. Review status: reviewed by expert panel (3 of 4 stars). 7 submissions from 7 submitters: Benign (1). 6 of the submissions do not count toward it. Last evaluated 2015-01-12.

Conditions:
Hereditary cancer-predisposing syndrome. Also called: Tumor predisposition; Hereditary neoplastic syndrome; Hereditary Cancer Syndrome; Neoplastic Syndromes, Hereditary. Identifiers: Orphanet 140162, MedGen C0027672, MeSH D009386, MONDO:0015356.
Breast-ovarian cancer, familial, susceptibility to, 1 (BROVCA1). Also called: BRCA1 Hereditary Breast and Ovarian Cancer; OVARIAN CANCER, SUSCEPTIBILITY TO. Identifiers: Orphanet 145, MedGen C2676676, MONDO:0011450, OMIM 604370. Disease mechanism: loss of function.

Allele frequency attached by ClinVar (database versions not stated): gnomAD 0.49377 and 0.49747; TOPMed 0.50195; 1000 Genomes Project 0.54852; 1000 Genomes Project 30x 0.55403.
gnomAD v4.1: 74,859 of 152,120 alleles (49%); highest among the groups gnomAD compares: African/African-American, 82%; 21,819 homozygotes.

Submissions (7):

Evidence-based Network for the Interpretation of Germline Mutant Alleles (ENIGMA)
Classification: Benign for Breast-ovarian cancer, familial 1. Last evaluated: 2015-01-12. Review status: reviewed by expert panel. Criteria: ENIGMA BRCA1/2 Classification Criteria (2015). Collection method: curation. Allele origin: germline.
Comment: Class 1 not pathogenic based on frequency >1% in an outbred sampleset. Frequency 0.3304 (Asian), 0.126 (African), 0.3694 (European), derived from 1000 genomes (2012-04-30).

GeneDx
Classification: Benign. Last evaluated: 2018-06-23. Review status: criteria provided, single submitter. Criteria: GeneDx Variant Classification Process June 2021. Collection method: clinical testing. Allele origin: germline. Affected: yes. Not counted in ClinVar's aggregate classification.

GeneKor MSA
Classification: Benign. Last evaluated: 2017-11-01. Review status: criteria provided, single submitter. Criteria: ACMG Guidelines, 2015. Collection method: clinical testing. Allele origin: germline. Affected: yes. Not counted in ClinVar's aggregate classification.

Ambry Genetics
Classification: Benign for Hereditary cancer-predisposing syndrome. Last evaluated: 2014-11-18. Review status: criteria provided, single submitter. Criteria: Ambry Variant Classification Scheme 2023. Collection method: clinical testing. Allele origin: germline. Not counted in ClinVar's aggregate classification.

Breast Cancer Information Core (BIC) (BRCA1)
Classification: Uncertain significance for Breast-ovarian cancer, familial 1. Last evaluated: 2009-08-07. Review status: no assertion criteria provided. Collection method: clinical testing. Allele origin: unknown. Affected: yes. Observed: 10 variant alleles. Not counted in ClinVar's aggregate classification.

Clinical Genetics Laboratory, Department of Pathology, Netherlands Cancer Institute
Classification: Benign. Review status: no assertion criteria provided. Collection method: clinical testing. Allele origin: germline. Affected: yes. Study: VKGL Data-share Consensus. Not counted in ClinVar's aggregate classification.

Genome Diagnostics Laboratory, University Medical Center Utrecht
Classification: Benign. Review status: no assertion criteria provided. Collection method: clinical testing. Allele origin: germline. Affected: yes. Study: VKGL Data-share Consensus. Not counted in ClinVar's aggregate classification.

NM_007294.4(BRCA1):c.213-161A>G

Gene: BRCA1 (BRCA1 DNA repair associated; minus strand). Cytogenetic location: 17q21.31.
Variant type: single nucleotide variant.
Coding change: c.213-161A>G on transcript NM_007294.4 (MANE Select); 161 bases into the intron before coding-DNA position 213, A replaced by G.
Molecular consequence: intron variant.
Genome position (GRCh38, 1-based): chr17:43,105,117, T>C on the plus strand (A>G on the coding strand, the complement: BRCA1 is on the minus strand). VCF-style: chr17-43105117-T-C. GRCh37 (hg19) VCF-style: chr17-41257134-T-C.
Other names: IVS5-161A>G; IVS 5-161A>G; c.72-161A>G (NM_001408458.1, NM_001407931.1, NM_001407747.1 and 99 more transcripts); c.-218-10257A>G (NM_001407967.1, NM_001407966.1); c.-169-161A>G (NM_001407959.1, NM_001407962.1, NM_001408512.1 and 4 more transcripts); c.3-161A>G (NM_001407885.1, NM_001407886.1, NM_001407898.1 and 58 more transcripts); c.213-161A>G (NM_001407686.1, NM_001408397.1, NM_001407632.1 and 167 more transcripts); c.81-161A>G (NM_001408451.1); and 1 more.
Identifiers: ClinVar variation 125614 (VCV000125614.7), dbSNP rs799912, ClinGen allele CA001427.